The following is an entry in ClinVar:

ClinVar aggregate classification (germline): Uncertain significance (1 of 4 stars; one submission).

Conditions:
Dystonia 5 (DRD). Also called: Dystonia, DOPA-responsive, with or without hyperphenylalaninemia; DYSTONIA, PROGRESSIVE, WITH DIURNAL VARIATION; DYSTONIA-PARKINSONISM WITH DIURNAL FLUCTUATION; DYT-GCH1; GTP Cyclohydrolase 1-Deficient Dopa-Responsive Dystonia. Identifiers: Orphanet 98808, MedGen C1851920, MONDO:0007495, OMIM 128230.
GTP cyclohydrolase I deficiency. Identifiers: MedGen C0268467, MONDO:0100184.

Submission:

Labcorp Genetics (formerly Invitae), Labcorp
Classification: Uncertain significance for GTP cyclohydrolase I deficiency; Dystonia 5. Last evaluated: 2022-10-14. Review status: criteria provided, single submitter. Criteria: Invitae Variant Classification Sherloc (09022015). Collection method: clinical testing. Allele origin: germline.
Comment: In summary, the available evidence is currently insufficient to determine the role of this variant in disease. Therefore, it has been classified as a Variant of Uncertain Significance. Advanced modeling of protein sequence and biophysical properties (such as structural, functional, and spatial information, amino acid conservation, physicochemical variation, residue mobility, and thermodynamic stability) performed at Invitae indicates that this missense variant is not expected to disrupt GCH1 protein function. ClinVar contains an entry for this variant (Variation ID: 646153). This variant has not been reported in the literature in individuals affected with GCH1-related conditions. This variant is not present in population databases (gnomAD no frequency). This sequence change replaces lysine, which is basic and polar, with asparagine, which is neutral and polar, at codon 107 of the GCH1 protein (p.Lys107Asn).

NM_000161.3(GCH1):c.321G>C (p.Lys107Asn)

Gene: GCH1 (GTP cyclohydrolase 1; minus strand). Cytogenetic location: 14q22.2.
Variant type: single nucleotide variant.
Coding change: c.321G>C on transcript NM_000161.3 (MANE Select); coding-DNA position 321, G replaced by C.
Protein change: p.Lys107Asn; replaces lysine 107 with asparagine.
Molecular consequence: missense variant.
Genome position (GRCh38, 1-based): chr14:54,902,343, C>G on the plus strand (G>C on the coding strand, the complement: GCH1 is on the minus strand). VCF-style: chr14-54902343-C-G. GRCh37 (hg19) VCF-style: chr14-55369061-C-G.
Other names: c.321G>C, p.Lys107Asn (NM_001024024.2, NM_001024070.2, NM_001024071.2); short protein forms K107N.
Identifiers: ClinVar variation 646153 (VCV000646153.8), dbSNP rs1375057499, ClinGen allele CA389793457.